The following is an entry in ClinVar:

ClinVar aggregate classification (germline): Likely benign (1 of 4 stars; one submission).

Allele frequency attached by ClinVar (database versions not stated): ESP Exome Variant Server 0.00015; gnomAD 0.00025; 1000 Genomes Project 30x 0.00031; ExAC 0.00031; TOPMed 0.00033; 1000 Genomes Project 0.00040.
gnomAD v4.1: 301 of 1,614,016 alleles (0.019%); highest among the groups gnomAD compares: Admixed American, 0.04%; 1 homozygote.

Submission:

CeGaT Center for Human Genetics Tuebingen
Classification: Likely benign. Last evaluated: 2022-12-01. Review status: criteria provided, single submitter. Criteria: CeGaT Center For Human Genetics Tuebingen Variant Classification Criteria Version 2. Collection method: clinical testing. Allele origin: germline. Affected: yes. Observed: 1 variant allele.
Comment: LRP1: BP4, BP7

NM_002332.3(LRP1):c.174C>T (p.Asp58=)

Gene: LRP1 (LDL receptor related protein 1; plus strand). Cytogenetic location: 12q13.3.
Variant type: single nucleotide variant.
Coding change: c.174C>T on transcript NM_002332.3 (MANE Select); coding-DNA position 174, C replaced by T.
Protein change: p.Asp58=; no amino-acid change (aspartic acid 58 retained).
Molecular consequence: synonymous variant.
Genome position (GRCh38, 1-based): chr12:57,138,565, C>T. VCF-style: chr12-57138565-C-T. GRCh37 (hg19) VCF-style: chr12-57532348-C-T.
Identifiers: ClinVar variation 2643111 (VCV002643111.24), dbSNP rs144902096, ClinGen allele CA6642179.